The following is an entry in ClinVar:

NM_000260.4(MYO7A):c.3701C>G (p.Thr1234Ser)

Gene: MYO7A (myosin VIIA; plus strand). Cytogenetic location: 11q13.5.
Variant type: single nucleotide variant.
Coding change: c.3701C>G on transcript NM_000260.4 (MANE Select); coding-DNA position 3701, C replaced by G.
Protein change: p.Thr1234Ser; replaces threonine 1234 with serine.
Molecular consequence: missense variant.
Genome position (GRCh38, 1-based): chr11:77,190,090, C>G. VCF-style: chr11-77190090-C-G. GRCh37 (hg19) VCF-style: chr11-76901135-C-G.
Other names: c.3701C>G, p.Thr1234Ser (NM_001127180.2); c.3668C>G, p.Thr1223Ser (NM_001369365.1); short protein forms T1234S, T1223S.
Identifiers: ClinVar variation 554407 (VCV000554407.4), dbSNP rs775908821, ClinGen allele CA6198174.

ClinVar aggregate classification (germline): Uncertain significance. Review status: criteria provided, single submitter (1 of 4 stars). 2 submissions from 2 submitters: Uncertain significance (1). 1 of the submissions does not count toward it. Last evaluated 2024-08-31.

Conditions:
Autosomal recessive nonsyndromic hearing loss 2. Also called: DEAFNESS, AUTOSOMAL RECESSIVE 2; NEUROSENSORY NONSYNDROMIC RECESSIVE DEAFNESS 2. Identifiers: Orphanet 90636, MedGen C1838701, MONDO:0010807, OMIM 600060.
Usher syndrome type 1 (USH1). Also called: RETINITIS PIGMENTOSA AND CONGENITAL DEAFNESS. Identifiers: Orphanet 231169, Orphanet 886, MedGen C1568247, MONDO:0010168, OMIM 276900.

Allele frequency attached by ClinVar (database versions not stated): gnomAD exomes 0.00004; TOPMed 0.00004.
gnomAD v4.1: 20 of 1,579,668 alleles (0.0013%); highest among the groups gnomAD compares: East Asian, 0.046%; no homozygotes.

Submissions (2):

Labcorp Genetics (formerly Invitae), Labcorp
Classification: Uncertain significance. Last evaluated: 2024-08-31. Review status: criteria provided, single submitter. Criteria: Invitae Variant Classification Sherloc (09022015). Collection method: clinical testing. Allele origin: germline.
Comment: This sequence change replaces threonine, which is neutral and polar, with serine, which is neutral and polar, at codon 1234 of the MYO7A protein (p.Thr1234Ser). This variant is present in population databases (rs775908821, gnomAD 0.04%). This missense change has been observed in individual(s) with autosomal dominant deafness (PMID: 25373420, 27911912, 35453549). ClinVar contains an entry for this variant (Variation ID: 554407). Invitae Evidence Modeling of protein sequence and biophysical properties (such as structural, functional, and spatial information, amino acid conservation, physicochemical variation, residue mobility, and thermodynamic stability) has been performed for this missense variant. However, the output from this modeling did not meet the statistical confidence thresholds required to predict the impact of this variant on MYO7A protein function. In summary, the available evidence is currently insufficient to determine the role of this variant in disease. Therefore, it has been classified as a Variant of Uncertain Significance.

Counsyl
Classification: Uncertain significance for Usher syndrome type 1; Autosomal recessive nonsyndromic hearing loss 2. Last evaluated: 2017-10-17. Review status: no assertion criteria provided. Collection method: clinical testing. Allele origin: unknown. Not counted in ClinVar's aggregate classification.

Literature cited by the submitters: PubMed 25373420 (cited by Labcorp Genetics (formerly Invitae), Labcorp and Counsyl); PubMed 27911912 (cited by Labcorp Genetics (formerly Invitae), Labcorp and Counsyl); PubMed 35453549 (cited by Labcorp Genetics (formerly Invitae), Labcorp).